The following is an entry in ClinVar:

NM_001368894.2(PAX6):c.27dup (p.Gln10fs)

Gene: PAX6 (paired box 6; minus strand). Cytogenetic location: 11p13.
Variant type: Duplication.
Coding change: c.27dup on transcript NM_001368894.2 (MANE Select); coding-DNA position 27, one base duplicated (T; older notation c.27dupT).
Protein change: p.Gln10fs; shifts the reading frame from glutamine 10.
Molecular consequence: frameshift variant. On other transcripts: 5 prime UTR variant (12), intron variant (2), non-coding transcript variant (2).
Genome position (GRCh38, 1-based): chr11:31,802,818, A duplicated on the plus strand (T on the coding strand, the reverse complement: PAX6 is on the minus strand). VCF-style (leftmost placement, unchanged base first): chr11-31802817-G-GA. GRCh37 (hg19) VCF-style: chr11-31824365-G-GA.
Other names: c.-755dup (NM_001368905.2, NM_001310160.2); c.-382dup (NM_001368906.2, NM_001368907.2, NM_001368899.2 and 1 more transcripts); c.-424dup (NM_001368908.2, NM_001368900.2, NM_001368903.2 and 2 more transcripts); c.270dup, p.Gln91fs (NM_001368910.2); c.30dup, p.Gln11fs (NM_001368911.2); c.27dup, p.Gln10fs (NM_001368912.2, NM_001368913.2, NM_001368914.2 and 30 more transcripts); c.-267-1042dup (NM_001368904.2, NM_001368909.2); c.-713dup (NM_001368902.2); short protein forms Q10fs, Q11fs, Q91fs.
Identifiers: ClinVar variation 2031798 (VCV002031798.4), dbSNP rs2496309388, ClinGen allele CA2580084063.
Genomic context (GRCh38, chr11:31,802,817, plus strand): 5'-CAATCTTCTGCCGGGTGGAGTCCGGCAGTGGCCGCCCGTTGACAAAGACACCACCGAGCT[G>GA]ATTCACTCCGCTGTGACCTGAGGAAAGGGAGAGGAGAGGAAAGGGGAAAAGAAGAGAAGA-3'

ClinVar aggregate classification (germline): Pathogenic (1 of 4 stars; one submission).

Conditions:
Irido-corneo-trabecular dysgenesis (ASGD5). Also called: ANTERIOR SEGMENT DYSGENESIS 5. Identifiers: Orphanet 708, MedGen C0344559, MONDO:0011414, OMIM 604229, HP:0000659.
Aniridia 1 (AN1). Identifiers: Orphanet 250923, MedGen C0344542, MONDO:0024507, OMIM 106210.

Submission:

Labcorp Genetics (formerly Invitae), Labcorp
Classification: Pathogenic for Aniridia 1; Irido-corneo-trabecular dysgenesis. Last evaluated: 2022-09-22. Review status: criteria provided, single submitter. Criteria: Invitae Variant Classification Sherloc (09022015). Collection method: clinical testing. Allele origin: germline.
Comment: This variant has not been reported in the literature in individuals affected with PAX6-related conditions. For these reasons, this variant has been classified as Pathogenic. This sequence change creates a premature translational stop signal (p.Gln10Serfs*46) in the PAX6 gene. It is expected to result in an absent or disrupted protein product. Loss-of-function variants in PAX6 are known to be pathogenic (PMID: 12634864). This variant is not present in population databases (gnomAD no frequency).

Literature cited by the submitters: PubMed 12634864.